The following is an entry in ClinVar:

NM_144997.7(FLCN):c.1177-19G>C

Gene: FLCN (folliculin; minus strand). Cytogenetic location: 17p11.2.
Variant type: single nucleotide variant.
Coding change: c.1177-19G>C on transcript NM_144997.7 (MANE Select); 19 bases into the intron before coding-DNA position 1177, G replaced by C.
Molecular consequence: intron variant.
Genome position (GRCh38, 1-based): chr17:17,216,522, C>G on the plus strand (G>C on the coding strand, the complement: FLCN is on the minus strand). VCF-style: chr17-17216522-C-G. GRCh37 (hg19) VCF-style: chr17-17119836-C-G.
Other names: c.1177-19G>C (NM_001353231.2, NM_001353230.2); c.1231-19G>C (NM_001353229.2).
Identifiers: ClinVar variation 3607600 (VCV003607600.3).

ClinVar aggregate classification (germline): Likely benign. Review status: criteria provided, multiple submitters, no conflicts (2 of 4 stars). 2 submissions from 2 submitters: Likely benign (2). Last evaluated 2025-12-14.

Conditions:
Birt-Hogg-Dube syndrome 1 (BHD1). Also called: FIBROFOLLICULOMAS WITH TRICHODISCOMAS AND ACROCHORDONS. Identifiers: Orphanet 122, MedGen CN375946, MONDO:0800445, OMIM 135150.
Birt-Hogg-Dube syndrome. Also called: Birt Hogg Dubé syndrome. Identifiers: Orphanet 122, MedGen C0346010, MONDO:0800444.

gnomAD v4.1: 1 of 1,613,496 alleles (0.000062%); highest among the groups gnomAD compares: African/African-American, 0.0013%; no homozygotes.

Submissions (2):

Labcorp Genetics (formerly Invitae), Labcorp
Classification: Likely benign for Birt-Hogg-Dube syndrome. Last evaluated: 2025-12-14. Review status: criteria provided, single submitter. Criteria: Invitae Variant Classification Sherloc (09022015). Collection method: clinical testing. Allele origin: germline.

Myriad Genetics, Inc.
Classification: Likely benign for Birt-Hogg-Dube syndrome 1. Last evaluated: 2024-10-24. Review status: criteria provided, single submitter. Criteria: Myriad Autosomal Dominant, Autosomal Recessive and X-Linked Classification Criteria (2023). Collection method: clinical testing. Allele origin: unknown.
Comment: This variant is considered likely benign. This variant is intronic and is not expected to impact mRNA splicing.